The following is an entry in ClinVar:

ClinVar aggregate classification (germline): Uncertain significance. Review status: criteria provided, multiple submitters, no conflicts (2 of 4 stars). 2 submissions from 2 submitters: Uncertain significance (2). Last evaluated 2025-01-27.

Conditions:
Cardiovascular phenotype. Identifiers: MedGen CN230736.
Hypertrophic cardiomyopathy. Also called: HYPERTROPHIC MYOCARDIOPATHY. Identifiers: Orphanet 217569, MedGen C0007194, MeSH D002312, MONDO:0005045, HP:0001639.

Submissions (2):

Labcorp Genetics (formerly Invitae), Labcorp
Classification: Uncertain significance for Hypertrophic cardiomyopathy. Last evaluated: 2025-01-27. Review status: criteria provided, single submitter. Criteria: Invitae Variant Classification Sherloc (09022015). Collection method: clinical testing. Allele origin: germline.
Comment: This sequence change replaces valine, which is neutral and non-polar, with alanine, which is neutral and non-polar, at codon 370 of the JPH2 protein (p.Val370Ala). This variant is not present in population databases (gnomAD no frequency). This variant has not been reported in the literature in individuals affected with JPH2-related conditions. ClinVar contains an entry for this variant (Variation ID: 1794607). An algorithm developed to predict the effect of missense changes on protein structure and function (PolyPhen-2) suggests that this variant is likely to be tolerated. In summary, the available evidence is currently insufficient to determine the role of this variant in disease. Therefore, it has been classified as a Variant of Uncertain Significance.

Ambry Genetics
Classification: Uncertain significance for Cardiovascular phenotype. Last evaluated: 2021-09-30. Review status: criteria provided, single submitter. Criteria: Ambry Variant Classification Scheme 2023. Collection method: clinical testing. Allele origin: germline.
Comment: The p.V370A variant (also known as c.1109T>C), located in coding exon 2 of the JPH2 gene, results from a T to C substitution at nucleotide position 1109. The valine at codon 370 is replaced by alanine, an amino acid with similar properties. This amino acid position is conserved. In addition, this alteration is predicted to be tolerated by in silico analysis. Since supporting evidence is limited at this time, the clinical significance of this alteration remains unclear.

NM_020433.5(JPH2):c.1109T>C (p.Val370Ala)

Gene: JPH2 (junctophilin 2; minus strand). Cytogenetic location: 20q13.12.
Variant type: single nucleotide variant.
Coding change: c.1109T>C on transcript NM_020433.5 (MANE Select); coding-DNA position 1109, T replaced by C.
Protein change: p.Val370Ala; replaces valine 370 with alanine.
Molecular consequence: missense variant.
Genome position (GRCh38, 1-based): chr20:44,159,678, A>G on the plus strand (T>C on the coding strand, the complement: JPH2 is on the minus strand). VCF-style: chr20-44159678-A-G. GRCh37 (hg19) VCF-style: chr20-42788318-A-G.
Other names: short protein forms V370A.
Identifiers: ClinVar variation 1794607 (VCV001794607.4), dbSNP rs2515744116, ClinGen allele CA409092885.